The following is an entry in ClinVar:

ClinVar aggregate classification (germline): Uncertain significance. Review status: criteria provided, multiple submitters, no conflicts (2 of 4 stars). 2 submissions from 2 submitters: Uncertain significance (2). Last evaluated 2024-09-18.

Conditions:
Hereditary cancer-predisposing syndrome. Also called: Hereditary Cancer Syndrome; Tumor predisposition; Neoplastic Syndromes, Hereditary; Hereditary neoplastic syndrome. Identifiers: Orphanet 140162, MedGen C0027672, MeSH D009386, MONDO:0015356.
Tuberous sclerosis 2 (TSC2). Identifiers: Orphanet 805, MedGen C1860707, MONDO:0013199, OMIM 613254.

Submissions (2):

Labcorp Genetics (formerly Invitae), Labcorp
Classification: Uncertain significance for Tuberous sclerosis 2. Last evaluated: 2024-09-18. Review status: criteria provided, single submitter. Criteria: Invitae Variant Classification Sherloc (09022015). Collection method: clinical testing. Allele origin: germline.
Comment: This sequence change replaces glutamic acid, which is acidic and polar, with lysine, which is basic and polar, at codon 234 of the TSC2 protein (p.Glu234Lys). This variant is not present in population databases (gnomAD no frequency). This variant has not been reported in the literature in individuals affected with TSC2-related conditions. Invitae Evidence Modeling of protein sequence and biophysical properties (such as structural, functional, and spatial information, amino acid conservation, physicochemical variation, residue mobility, and thermodynamic stability) indicates that this missense variant is not expected to disrupt TSC2 protein function with a negative predictive value of 95%. In summary, the available evidence is currently insufficient to determine the role of this variant in disease. Therefore, it has been classified as a Variant of Uncertain Significance.

Ambry Genetics
Classification: Uncertain significance for Hereditary cancer-predisposing syndrome. Last evaluated: 2024-06-11. Review status: criteria provided, single submitter. Criteria: Ambry Variant Classification Scheme 2023. Collection method: clinical testing. Allele origin: germline.
Comment: The p.E234K variant (also known as c.700G>A), located in coding exon 7 of the TSC2 gene, results from a G to A substitution at nucleotide position 700. The glutamic acid at codon 234 is replaced by lysine, an amino acid with similar properties. This amino acid position is conserved. In addition, the in silico prediction for this alteration is inconclusive. Based on the available evidence, the clinical significance of this variant remains unclear.

NM_000548.5(TSC2):c.700G>A (p.Glu234Lys)

Gene: TSC2 (TSC complex subunit 2; plus strand). Cytogenetic location: 16p13.3.
Variant type: single nucleotide variant.
Coding change: c.700G>A on transcript NM_000548.5 (MANE Select); coding-DNA position 700, G replaced by A.
Protein change: p.Glu234Lys; replaces glutamic acid 234 with lysine.
Molecular consequence: missense variant. On other transcripts: 5 prime UTR variant (10), non-coding transcript variant (5).
Genome position (GRCh38, 1-based): chr16:2,056,695, G>A. VCF-style: chr16-2056695-G-A. GRCh37 (hg19) VCF-style: chr16-2106696-G-A.
Other names: c.553G>A, p.Glu185Lys (NM_001406675.1, NM_001406676.1, NM_001406679.1 and 1 more transcripts); c.643G>A, p.Glu215Lys (NM_001406677.1); c.589G>A, p.Glu197Lys (NM_001406678.1, NM_001318827.2, NM_001406670.1); c.100G>A, p.Glu34Lys (NM_001406680.1, NM_001406682.1, NM_001406683.1 and 6 more transcripts); c.238G>A, p.Glu80Lys (NM_001406681.1); c.700G>A, p.Glu234Lys (NM_001077183.3, NM_001114382.3, NM_001363528.2 and 6 more transcripts); c.733G>A, p.Glu245Lys (NM_001318832.2); c.790G>A, p.Glu264Lys (NM_001406667.1, NM_001406668.1); and 4 more; short protein forms E215K, E34K, E185K, E230K, E264K, E80K, E197K, E234K.
Identifiers: ClinVar variation 3329531 (VCV003329531.3).